The following is an entry in ClinVar:

NM_021005.4(NR2F2):c.931G>A (p.Glu311Lys)

Gene: NR2F2 (nuclear receptor subfamily 2 group F member 2; plus strand). Cytogenetic location: 15q26.2.
Variant type: single nucleotide variant.
Coding change: c.931G>A on transcript NM_021005.4 (MANE Select); coding-DNA position 931, G replaced by A.
Protein change: p.Glu311Lys; replaces glutamic acid 311 with lysine.
Molecular consequence: missense variant.
Genome position (GRCh38, 1-based): chr15:96,334,564, G>A. VCF-style: chr15-96334564-G-A. GRCh37 (hg19) VCF-style: chr15-96877793-G-A.
Other names: c.532G>A, p.Glu178Lys (NM_001145155.2); c.472G>A, p.Glu158Lys (NM_001145156.1, NM_001145157.2); short protein forms E158K, E178K, E311K.
Identifiers: ClinVar variation 2443196 (VCV002443196.2), dbSNP rs2505775271, ClinGen allele CA393931493.
Genomic context (GRCh38, chr15:96,334,564, plus strand): 5'-CACATACGGATCTTCCAAGAGCAAGTGGAGAAGCTCAAGGCGCTGCACGTTGACTCAGCC[G>A]AGTACAGCTGCCTCAAGGCCATAGTCCTGTTCACCTCAGGTAGGAAGGAGCCCTGTCTTC-3'
Protein context (NP_066285.1, residues 301-321): KLKALHVDSA[Glu311Lys]YSCLKAIVLF

ClinVar aggregate classification (germline): Likely pathogenic (0 of 4 stars; one submission).

Submission:

Genetic Services Laboratory, University of Chicago
Classification: Likely pathogenic. Last evaluated: 2022-11-30. Review status: no assertion criteria provided. Collection method: clinical testing. Allele origin: germline. Affected: yes.
Comment: DNA sequence analysis of the NR2F2 gene demonstrated a sequence change, c.931G>A, in exon 2 that results in an amino acid change, p.Glu311Lys. The p.Glu311Lys change affects a highly conserved amino acid residue located in a domain of the NR2F2 protein that is known to be functional. The p.Glu311Lys substitution appears to be deleterious using several in-silico pathogenicity prediction tools (SIFT, PolyPhen2, Align GVGD, REVEL). This particular amino acid change does not appear to have been described in the literature in other individuals with NR2F2-related disorders, however, a different pathogenic sequence change affecting the same amino acid residue (p.Glu311Asp) has been described in an individual with NR2F2-related disorders (PMID: 30577886). This sequence change has not been described in population databases such as ExAC and gnomAD. This sequence change is the likely cause of this individual's congenital heart defect phenotype, however functional studies have not been performed to prove this conclusively. Heterozygous pathogenic variants in NR2F2 have been associated with multiple types of congenital heart defects including ventricular, atrial, and atrioventricular septal defects, tetralogy of Fallot, and coarctation of the aorta [OMIM# 615779]. Multiple individuals with pathogenic variants in NR2F2 have also been reported to have congenital diaphragmatic hernia (PMID: 27363585, 29570242). The NR2F2 cDNA reference sequence used is NM_021005.4.